The following is an entry in ClinVar:

NM_001184.4(ATR):c.2048A>G (p.Asn683Ser)

Gene: ATR (ATR checkpoint kinase; minus strand). Cytogenetic location: 3q23.
Variant type: single nucleotide variant.
Coding change: c.2048A>G on transcript NM_001184.4 (MANE Select); coding-DNA position 2048, A replaced by G.
Protein change: p.Asn683Ser; replaces asparagine 683 with serine.
Molecular consequence: missense variant.
Genome position (GRCh38, 1-based): chr3:142,556,413, T>C on the plus strand (A>G on the coding strand, the complement: ATR is on the minus strand). VCF-style: chr3-142556413-T-C. GRCh37 (hg19) VCF-style: chr3-142275255-T-C.
Other names: c.1856A>G, p.Asn619Ser (NM_001354579.2); short protein forms N683S, N619S.
Identifiers: ClinVar variation 2567852 (VCV002567852.2), dbSNP rs2473398242, ClinGen allele CA354819126.
Genomic context (GRCh38, chr3:142,556,413, plus strand): 5'-ATATATTCAAATTAAAATCTTAGTACATACATAAGAATCTTGGGAACTCTGTTACAAGAA[T>C]TCTGCTGCTGCAATAAGATAAAAAATCCACTAACACAACTAGCCCGGATTACTTCATGGG-3'
Protein context (NP_001175.2, residues 673-693): SGFFILLQQQ[Asn683Ser]SCNRVPKILI

ClinVar aggregate classification (germline): Uncertain significance (1 of 4 stars; one submission).

Conditions:
Inborn genetic diseases. Identifiers: MedGen C0950123, MeSH D030342.

Submission:

Ambry Genetics
Classification: Uncertain significance for Inborn genetic diseases. Last evaluated: 2023-06-10. Review status: criteria provided, single submitter. Criteria: Ambry Variant Classification Scheme 2023. Collection method: clinical testing. Allele origin: germline.
Comment: The p.N683S variant (also known as c.2048A>G), located in coding exon 9 of the ATR gene, results from an A to G substitution at nucleotide position 2048. The asparagine at codon 683 is replaced by serine, an amino acid with highly similar properties. This amino acid position is conserved. In addition, this alteration is predicted to be tolerated by in silico analysis. Since supporting evidence is limited at this time, the clinical significance of this alteration remains unclear.